The following is an entry in ClinVar:

ClinVar aggregate classification (germline): Uncertain significance (1 of 4 stars; one submission).

Conditions:
Autosomal dominant centronuclear myopathy. Also called: MYOTUBULAR MYOPATHY, AUTOSOMAL DOMINANT; Myopathy, centronuclear, 3. Identifiers: Orphanet 169189, MedGen C4551952, MeSH D020914, MONDO:0008048, OMIM 160150.

Submission:

Victorian Clinical Genetics Services, Murdoch Childrens Research Institute
Classification: Uncertain significance for Autosomal dominant centronuclear myopathy. Last evaluated: 2025-02-20. Review status: criteria provided, single submitter. Criteria: ACMG Guidelines, 2015. Collection method: clinical testing. Allele origin: germline. Affected: yes.
Comment: This variant is classified as VUS-3B. Evidence in support of pathogenic classification: Variant is absent from gnomAD (v2, v3 and v4). Additional information: Variant is predicted to result in a missense amino acid change from alanine to glycine; This variant is heterozygous; This gene is associated with autosomal dominant disease. DNM2 is generally associated with autosomal dominant disease; however, recessive inheritance of a hypomorphic allele has been reported in a family where homozygous offspring displayed a severe lethal neonatal phenotype, and the carrier parents presented with a mild form of myopathy (OMIM); Alternative amino acid change(s) at the same position are present in gnomAD (Highest allele count: v4: 5 heterozygote(s), 0 homozygote(s)); This variant has no previous evidence of pathogenicity; No published segregation evidence has been identified for this variant; No published functional evidence has been identified for this variant; No comparable missense variants have previous evidence for pathogenicity; Variant is located in the annotated dynamin central region (DECIPHER); Missense variant with inconclusive in silico prediction and uninformative conservation; Gain of function is a known mechanism of disease in this gene and is associated with centronuclear myopathy 1 (MIM#160150). Charcot-Marie-Tooth disease, axonal type 2M and dominant intermediate B (MIM#606482) are also associated with this gene; however, the mechanism of disease for these conditions is currently not established; Variants in this gene are known to have variable expressivity. Interfamilial and intrafamilial variability have been reported (PMID: 22396310); Inheritance information for this variant is not currently available in this individual.

Literature cited by the submitters: PubMed 22396310.

NM_001005361.3(DNM2):c.1232C>G (p.Ala411Gly)

Gene: DNM2 (dynamin 2; plus strand). Cytogenetic location: 19p13.2.
Variant type: single nucleotide variant.
Coding change: c.1232C>G on transcript NM_001005361.3 (MANE Select); coding-DNA position 1232, C replaced by G.
Protein change: p.Ala411Gly; replaces alanine 411 with glycine.
Molecular consequence: missense variant. On other transcripts: intron variant (3).
Genome position (GRCh38, 1-based): chr19:10,797,415, C>G. VCF-style: chr19-10797415-C-G. GRCh37 (hg19) VCF-style: chr19-10908091-C-G.
Other names: c.1232C>G, p.Ala411Gly (NM_001005362.3); c.1336-1071C>G (NM_001005360.3, NM_001190716.2, NM_004945.4); short protein forms A411G.
Identifiers: ClinVar variation 4531700 (VCV004531700.1).